The following is an entry in ClinVar:

ClinVar aggregate classification (germline): Likely benign. Review status: criteria provided, multiple submitters, no conflicts (2 of 4 stars). 2 submissions from 2 submitters: Likely benign (2). Last evaluated 2026-03-21.

Conditions:
PLEC-related disorder. Also called: PLEC-related disorders; PLEC-related condition.
Epidermolysis bullosa simplex 5C, with pyloric atresia (EBS5C). Also called: PLEC-Related Epidermolysis Bullosa with Pyloric Atresia; Epidermolysis bullosa simplex with pyloric atresia; PLEC1-Related Epidermolysis Bullosa with Pyloric Atresia. Identifiers: Orphanet 158684, MedGen C2677349, MONDO:0012807, OMIM 612138.
Epidermolysis bullosa simplex with nail dystrophy (EBS5D). Identifiers: MedGen C4225309, MONDO:0014661, OMIM 616487.
Autosomal recessive limb-girdle muscular dystrophy type 2Q (LGMDR17). Also called: MUSCULAR DYSTROPHY, LIMB-GIRDLE, AUTOSOMAL RECESSIVE 17. Identifiers: Orphanet 254361, MedGen C3150989, MONDO:0013390, OMIM 613723.
Epidermolysis bullosa simplex 5B, with muscular dystrophy (EBS5B). Also called: EPIDERMOLYSIS BULLOSA SIMPLEX AND LIMB-GIRDLE MUSCULAR DYSTROPHY; Epidermolysis bullosa simplex with muscular dystrophy. Identifiers: Orphanet 257, MedGen C2931072, MONDO:0009181, OMIM 226670.
Epidermolysis bullosa simplex, Ogna type (EBS5A). Also called: Pidermolysis bullosa simplex 5A, Ogna type; EPIDERMOLYSIS BULLOSA SIMPLEX 5A, OGNA TYPE. Identifiers: Orphanet 79401, MedGen C0432317, MONDO:0007555, OMIM 131950.

Allele frequency attached by ClinVar (database versions not stated): gnomAD 0.00001; gnomAD exomes 0.00001 and 0.00002; ExAC 0.00002; TOPMed 0.00002.
gnomAD v4.1: 23 of 1,613,004 alleles (0.0014%); highest among the groups gnomAD compares: Non-Finnish European, 0.0019%; no homozygotes.

Submissions (2):

PreventionGenetics, part of Exact Sciences
Classification: Likely benign for PLEC-related condition. Last evaluated: 2026-03-21. Review status: criteria provided, single submitter. Criteria: ACMG Guidelines, 2015. Collection method: clinical testing. Allele origin: germline.
Comment: This variant is classified as likely benign based on ACMG/AMP sequence variant interpretation guidelines (Richards et al. 2015 PMID: 25741868, with internal and published modifications).

Labcorp Genetics (formerly Invitae), Labcorp
Classification: Likely benign for Autosomal recessive limb-girdle muscular dystrophy type 2Q; Epidermolysis bullosa simplex, Ogna type; Epidermolysis bullosa simplex with nail dystrophy; Epidermolysis bullosa simplex 5C, with pyloric atresia; Epidermolysis bullosa simplex 5B, with muscular dystrophy. Last evaluated: 2025-09-23. Review status: criteria provided, single submitter. Criteria: Invitae Variant Classification Sherloc (09022015). Collection method: clinical testing. Allele origin: germline.

NM_201384.3(PLEC):c.1362C>T (p.Asn454=)

Gene: PLEC (plectin; minus strand). Cytogenetic location: 8q24.3.
Variant type: single nucleotide variant.
Coding change: c.1362C>T on transcript NM_201384.3 (MANE Select); coding-DNA position 1362, C replaced by T.
Protein change: p.Asn454=; no amino-acid change (asparagine 454 retained).
Molecular consequence: synonymous variant.
Genome position (GRCh38, 1-based): chr8:143,933,253, G>A on the plus strand (C>T on the coding strand, the complement: PLEC is on the minus strand). VCF-style: chr8-143933253-G-A. GRCh37 (hg19) VCF-style: chr8-145007421-G-A.
Other names: c.1443C>T, p.Asn481= (NM_000445.5); c.1320C>T, p.Asn440= (NM_201378.4); c.1296C>T, p.Asn432= (NM_201379.3); c.1773C>T, p.Asn591= (NM_201380.4); c.1266C>T, p.Asn422= (NM_201381.3); c.1362C>T, p.Asn454= (NM_201382.4); c.1374C>T, p.Asn458= (NM_201383.3); c.1443C>T (NM_000445.4).
Identifiers: ClinVar variation 1092031 (VCV001092031.8), dbSNP rs782432188, ClinGen allele CA4928006.
Genomic context (GRCh38, chr8:143,933,253, plus strand): 5'-CCACCTGCGGTACATCTGCTCGCCCTGCGGGTGCCGTCCATCCTTGAGGGTCTGCACGTC[G>A]TTGAAGAGCAGCCGGATCATGCTATCCGCCTTGTCCAAGTCCCGTTCCACCTCCCCCGCC-3'
Protein context (NP_958786.1, residues 444-464): KADSMIRLLF[Asn454=]DVQTLKDGRH